The following is an entry in ClinVar:

NM_001370658.1(BTD):c.163_167dup (p.Ile57fs)

Gene: BTD (biotinidase; plus strand). Cytogenetic location: 3p25.1.
Variant type: Duplication.
Coding change: c.163_167dup on transcript NM_001370658.1 (MANE Select); coding-DNA positions 163 to 167, 5 bases duplicated (GCTCT; older notation c.163_167dupGCTCT).
Protein change: p.Ile57fs; shifts the reading frame from isoleucine 57.
Molecular consequence: frameshift variant.
Genome position (GRCh38, 1-based): chr3:15,635,602-15,635,606, GCTCT duplicated. VCF-style (leftmost placement, unchanged base first): chr3-15635601-G-GGCTCT. GRCh37 (hg19) VCF-style: chr3-15677108-G-GGCTCT.
Other names: c.163_167dup, p.Ile57fs (NM_001281723.4, NM_001281724.3, NM_001281725.3 and 37 more transcripts); short protein forms I57fs.
Identifiers: ClinVar variation 4857423 (VCV004857423.1).

ClinVar aggregate classification (germline): Pathogenic (1 of 4 stars; one submission).

Conditions:
Biotinidase deficiency. Also called: BTD deficiency; Late-onset biotin-responsive multiple carboxylase deficiency; Biotin deficiency. Identifiers: Orphanet 79241, MedGen C0220754, MONDO:0009665, OMIM 253260.

Submission:

Institute of Human Genetics, University of Leipzig Medical Center
Classification: Pathogenic for Biotinidase deficiency. Last evaluated: 2026-05-18. Review status: criteria provided, single submitter. Criteria: ACMG Guidelines, 2015. Collection method: clinical testing. Allele origin: unknown. Inheritance: Autosomal recessive inheritance. Affected: yes.
Comment: Criteria applied: PVS1,PM2,PP4